The following continues an entry in ClinVar:

NM_000059.4(BRCA2):c.1763A>G (p.Asn588Ser)

Gene: BRCA2. ClinVar aggregate classification (germline): Likely benign. Likely benign (1).

Submissions 5 to 14 of 14:

Molecular Diagnostics Laboratory, Catalan Institute of Oncology
Classification: Uncertain significance for Hereditary cancer-predisposing syndrome. Last evaluated: 2025-05-19. Review status: criteria provided, single submitter. Criteria: ClinGen BRCA1BRCA2 ACMG Specifications BRCA2 V1.0.0. Collection method: clinical testing. Allele origin: germline. Not counted in ClinVar's aggregate classification.
Comment: PP3, BS1_Supporting c.1763A>G, located in exon 10 of the BRCA2 gene, is predicted to result in the substitution of Asparagine with Serine at codon 588, p.(Asn588Ser). This position is outside a (potentially) clinically important functional domain. The SpliceAI algorithm predicts the creation of a novel donor splice site (PP3). RNA studies show that this change leads to an alternative transcript consisting of a deletion of 147 nucleotides (r.1763_1909del, p.Asn588_Gly637delinsSer), which results in an in-frame deletion of 49 amino acids at the 3� end of exon 10, together with the insertion of a Serine. This region does not encompass any important functional protein domains/residues or known pathogenic missense variants (Men�ndez_2012, Sanz_2010). The variant allele was found in 3/33992 alleles, with a filter allele frequency of 0.0023% at 95% confidence, within the Admixed American population in the gnomAD v2.1.1 database (non-cancer dataset) (BS1_supporting). This variant has been identified in the following databases, ClinVar (1x as likely benign, 9x as uncertain significance), LOVD (1x as pathogenic, 1x as uncertain significance), but it has not been reviewed in BRCA Exchange. Based on the currently available evidence, c.1763A>G is classified as a variant of uncertain significance (VUS) according to ClinGen-BRCA2 Guidelines version 1.0.0. Comments: variant classificada per VUSCan.

ARUP Laboratories, Molecular Genetics and Genomics, ARUP Laboratories
Classification: Uncertain significance. Last evaluated: 2024-07-10. Review status: criteria provided, single submitter. Criteria: ARUP Molecular Germline Variant Investigation Process 2024. Collection method: clinical testing. Allele origin: germline. Not counted in ClinVar's aggregate classification.
Comment: The BRCA2 c.1763A>G; p.Asn588Ser variant (rs373400041, ClinVar Variation ID: 51186), also known as c.1991A>G in traditional nomenclature, is reported in the literature in individuals affected with breast or ovarian cancer (de Juan 2009, Infante 2006, Rebbeck 2018, Velasco 2005). In one individual, this variant was shown to not segregate with disease in the affected mother (Menendez 2012). This variant is found in the general population with an overall allele frequency of 0.001% (4/249,674 alleles) in the Genome Aggregation Database (v2.1.1). Computational analyses (SpliceAI: 0.83) predict that this variant may impact splicing by creating a novel cryptic donor splice site. In addition, in vitro functional analyses demonstrate this change creates a cryptic donor site creating an in-frame 49 amino acid deletion (Menedez 2012, Sanz 2010). Due to conflicting information, the clinical significance of this variant is uncertain at this time. References: de Juan I et al. High-resolution melting analysis for rapid screening of BRCA1 and BRCA2 Spanish mutations. Breast Cancer Res Treat. 2009 May;115(2):405-14. PMID: 18528753. Infante M High proportion of novel mutations of BRCA1 and BRCA2 in breast/ovarian cancer patients from Castilla-LeÃ³n (central Spain). J Hum Genet. 2006;51(7):611-7. PMID: 16758124. Menendez M et al. Assessing the RNA effect of 26 DNA variants in the BRCA1 and BRCA2 genes. Breast Cancer Res Treat. 2012 Apr;132(3):979-92. PMID: 21735045. Rebbeck TR et al. Mutational spectrum in a worldwide study of 29,700 families with BRCA1 or BRCA2 mutations. Hum Mutat. 2018 May;39(5):593-620. PMID: 29446198. Sanz DJ et al. A high proportion of DNA variants of BRCA1 and BRCA2 is associated with aberrant splicing in breast/ovarian cancer patients. Clin Cancer Res. 2010 Mar 15;16(6):1957-67. PMID: 20215541. Velasco E et al. Rapid mutation detection in complex genes by heteroduplex analysis with capillary array electrophoresis. Electrophoresis. 2005 Jun;26(13):2539-52. PMID: 15937982.

Quest Diagnostics Nichols Institute San Juan Capistrano
Classification: Uncertain significance. Last evaluated: 2024-01-17. Review status: criteria provided, single submitter. Criteria: Quest Diagnostics criteria. Collection method: clinical testing. Allele origin: unknown. Not counted in ClinVar's aggregate classification.
Comment: The BRCA2 c.1763A>G (p.Asn588Ser) variant has been reported in the published literature in individuals and families with breast and/or ovarian cancer (PMIDs: 29446198 (2018), 21735045 (2012), and 20215541 (2010)), as well as in a breast cancer case in a large scale breast cancer association study (PMID: 33471991 (2021), see also LOVD). The variant was reported to not segregate with disease in a family with early onset breast cancer (PMID: 21735045 (2012)). An in vitro functional study indicated that the variant led to an in-frame deletion of 49 amino acids that are not in a known functional domain of the BRCA2 protein (PMID: 20215541 (2010)). The frequency of this variant in the general population, 0.000087 (3/34322 chromosomes (Genome Aggregation Database)), is uninformative in the assessment of its pathogenicity. Analysis of this variant using bioinformatics tools for the prediction of the effect of amino acid changes on protein structure and function yielded conflicting predictions that this variant is deleterious or benign. Additional analysis using software algorithms for the prediction of the effect of nucleotide changes on BRCA2 mRNA splicing yielded predictions that this variant may result in the gain of a cryptic splice site without affecting the natural splice sites. Based on the available information, we are unable to determine the clinical significance of this variant.

All of Us Research Program, National Institutes of Health
Classification: Uncertain significance for Breast-ovarian cancer, familial, susceptibility to, 2. Last evaluated: 2023-10-02. Review status: criteria provided, single submitter. Criteria: ACMG Guidelines, 2015. Collection method: clinical testing. Allele origin: germline. Inheritance: Autosomal dominant inheritance. Observed: 3 variant alleles, 3 heterozygotes. Not counted in ClinVar's aggregate classification.
Comment: This missense variant replaces asparagine with serine at codon 588 of the BRCA2 protein. Computational prediction suggests that this variant may not impact protein structure and function (internally defined REVEL score threshold <= 0.5, PMID: 27666373). Splice site prediction tools suggest that this variant may impact RNA splicing. RNA studies have show that this variant results an in-frame deletion of the last 147 nucleotides from exon 10 of the BRCA2 gene (PMID: 20215541, 21735045). However, the impact on RNA splicing may be partial and the clinical relevance of this observation is not known. This variant has been reported in individuals affected with breast and/or ovarian cancer (PMID: 15937982, 16758124, 20215541, 21735045, 33471991; Leiden Open Variation Database DB-ID BRCA2_000486). This variant has also been identified in 4/249674 chromosomes in the general population by the Genome Aggregation Database (gnomAD). The available evidence is insufficient to determine the role of this variant in disease conclusively. Therefore, this variant is classified as a Variant of Uncertain Significance.

This study involves interpretation of variants in research participants for the purpose of population health screening. Participant phenotype was not available at the time of variant classification. Additional details can be found in publication PMID: 35346344, PMCID: PMC8962531

University of Washington Department of Laboratory Medicine, University of Washington
Classification: Likely benign for Hereditary cancer-predisposing syndrome. Last evaluated: 2023-03-23. Review status: criteria provided, single submitter. Criteria: Dines et al. (Genet Med. 2020). Collection method: curation. Allele origin: germline. Not counted in ClinVar's aggregate classification.
Comment: Missense variant in a coldspot region where missense variants are very unlikely to be pathogenic (PMID:31911673).

BRCA2 exon 10 coldspot. Reclassification based on statistical prior probability.

Mendelics
Classification: Uncertain significance. Last evaluated: 2022-05-04. Review status: criteria provided, single submitter. Criteria: Mendelics Assertion Criteria 2019. Collection method: clinical testing. Allele origin: germline. Not counted in ClinVar's aggregate classification.

Institute of Human Genetics, University of Leipzig Medical Center
Classification: Uncertain significance for Familial cancer of breast. Last evaluated: 2019-01-01. Review status: criteria provided, single submitter. Criteria: ACMG Guidelines, 2015. Collection method: clinical testing. Allele origin: unknown. Affected: yes. Not counted in ClinVar's aggregate classification.

Ambry Genetics
Classification: Likely benign for Hereditary cancer-predisposing syndrome. Last evaluated: 2018-12-31. Review status: criteria provided, single submitter. Criteria: Ambry Variant Classification Scheme 2023. Collection method: clinical testing. Allele origin: germline. Not counted in ClinVar's aggregate classification.

CSER _CC_NCGL, University of Washington
Classification: Uncertain significance for Breast cancer. Last evaluated: 2014-06-01. Review status: criteria provided, single submitter. Criteria: Amendola et al. (Genome Res. 2015). Collection method: research. Allele origin: germline. Inheritance: Autosomal dominant inheritance. Study: ESP 6500 variant annotation. Not counted in ClinVar's aggregate classification.
Comment: Low GERP score may suggest that this variant may belong in a lower pathogenicity class

Variants classified for the Actionable exomic incidental findings in 6503 participants: challenges of variant classification manuscript

Consortium of Investigators of Modifiers of BRCA1/2 (CIMBA), c/o University of Cambridge
Classification: Pathogenic for Breast-ovarian cancer, familial, susceptibility to, 2. Last evaluated: 2015-10-02. Review status: flagged submission. Criteria: CIMBA Mutation Classification guidelines May 2016. Collection method: clinical testing. Allele origin: germline. Not counted in ClinVar's aggregate classification.
ClinVar note: Reason: Outlier claim with insufficient supporting evidence

Literature cited by the submitters: PubMed 20215541 (cited by 5 submitters); PubMed 21735045 (cited by 5 submitters); PubMed 15937982 (cited by 4 submitters); PubMed 16758124 (cited by 4 submitters); PubMed 23893897 (cited by Women's Health and Genetics/Laboratory Corporation of America, LabCorp and Quest Diagnostics Nichols Institute San Juan Capistrano); PubMed 21918853 (cited by Women's Health and Genetics/Laboratory Corporation of America, LabCorp); PubMed 18528753 (cited by Women's Health and Genetics/Laboratory Corporation of America, LabCorp and Quest Diagnostics Nichols Institute San Juan Capistrano); PubMed 29446198 (cited by Women's Health and Genetics/Laboratory Corporation of America, LabCorp and Quest Diagnostics Nichols Institute San Juan Capistrano); PubMed 31331294 (cited by Women's Health and Genetics/Laboratory Corporation of America, LabCorp); PubMed 32467295 (cited by Women's Health and Genetics/Laboratory Corporation of America, LabCorp); PubMed 34413315 (cited by Women's Health and Genetics/Laboratory Corporation of America, LabCorp); PubMed 33471991 (cited by 3 submitters); PubMed 31911673 (cited by Quest Diagnostics Nichols Institute San Juan Capistrano); PubMed 25637381 (cited by Quest Diagnostics Nichols Institute San Juan Capistrano); PubMed 31959344 (cited by Quest Diagnostics Nichols Institute San Juan Capistrano).